The following is an entry in ClinVar:

ClinVar aggregate classification (germline): Conflicting classifications of pathogenicity. Review status: criteria provided, conflicting classifications (1 of 4 stars). 4 submissions from 4 submitters: Uncertain significance (3); Likely benign (1). Last evaluated 2026-04-01.

Allele frequency attached by ClinVar (database versions not stated): ESP Exome Variant Server 0.00017; gnomAD exomes 0.00022 and 0.00030; TOPMed 0.00022; gnomAD 0.00028; ExAC 0.00041.
gnomAD v4.1: 353 of 1,530,676 alleles (0.023%); highest among the groups gnomAD compares: Non-Finnish European, 0.021%; no homozygotes.

Submissions (4):

CeGaT Center for Human Genetics Tuebingen
Classification: Uncertain significance. Last evaluated: 2026-04-01. Review status: criteria provided, single submitter. Criteria: CeGaT Center For Human Genetics Tuebingen Variant Classification Criteria Version 2. Collection method: clinical testing. Allele origin: germline. Affected: yes. Observed: 2 variant alleles.
Comment: HYDIN: PM2, BP4

Blueprint Genetics
Classification: Likely benign. Last evaluated: 2024-11-01. Review status: criteria provided, single submitter. Criteria: ACMG Guidelines, 2015. Collection method: clinical testing. Allele origin: germline.

GeneDx
Classification: Uncertain significance. Last evaluated: 2017-05-26. Review status: criteria provided, single submitter. Criteria: GeneDx Variant Classification (06012015). Collection method: clinical testing. Allele origin: germline. Affected: yes.
Comment: The R1816C variant in the HYDIN gene has not been reported previously as a pathogenic variant, nor as a benign variant, to our knowledge. The R1816C variant is not observed in large population cohorts (Lek et al., 2016; 1000 Genomes Consortium et al., 2015; Exome Variant Server). The R1816C variant is a non-conservative amino acid substitution, which is likely to impact secondary protein structure as these residues differ in polarity, charge, size and/or other properties. However, this substitution occurs at a position that is not conserved, and in silico analysis is inconsistent in its predictions as to whether or not the variant is damaging to the protein structure/function. We interpret R1816C as a variant of uncertain significance.

Breakthrough Genomics
Classification: Uncertain significance. Review status: criteria provided, single submitter. Criteria: ACMG Guidelines, 2015. Collection method: not provided. Allele origin: germline. Inheritance: Autosomal recessive inheritance. Affected: yes.

NM_001270974.2(HYDIN):c.5446C>T (p.Arg1816Cys)

Gene: HYDIN (HYDIN axonemal central pair apparatus protein; minus strand). Cytogenetic location: 16q22.2.
Variant type: single nucleotide variant.
Coding change: c.5446C>T on transcript NM_001270974.2 (MANE Select); coding-DNA position 5446, C replaced by T.
Protein change: p.Arg1816Cys; replaces arginine 1816 with cysteine.
Molecular consequence: missense variant.
Genome position (GRCh38, 1-based): chr16:70,970,693, G>A on the plus strand (C>T on the coding strand, the complement: HYDIN is on the minus strand). VCF-style: chr16-70970693-G-A. GRCh37 (hg19) VCF-style: chr16-71004596-G-A.
Other names: short protein forms R1816C.
Identifiers: ClinVar variation 430513 (VCV000430513.17), dbSNP rs372141489, ClinGen allele CA8150528.